The following is an entry in ClinVar:

ClinVar aggregate classification (germline): Likely pathogenic (1 of 4 stars; one submission).

Conditions:
Dilated and arrhythmogenic cardiomyopathy.

gnomAD v4.1: 1 of 1,589,886 alleles (0.000063%); highest among the groups gnomAD compares: Non-Finnish European, 0.000086%; no homozygotes.

Submission:

North West Genomic Laboratory Hub, Manchester University NHS Foundation Trust
Classification: Likely pathogenic for Dilated and arrhythmogenic cardiomyopathy. Last evaluated: 2025-11-25. Review status: criteria provided, single submitter. Criteria: ACGS Best Practice Guidelines for Variant Classification in Rare Disease 2024. Collection method: clinical testing. Allele origin: germline. Affected: yes.
Comment: PM2_Mod PVS1_Str

NM_001267550.2(TTN):c.68824G>T (p.Glu22942Ter)

Genes: TTN (titin; minus strand), TTN-AS1 (TTN antisense RNA 1; plus strand). Cytogenetic location: 2q31.2.
Variant type: single nucleotide variant.
Coding change: c.68824G>T on transcript NM_001267550.2 (MANE Select); coding-DNA position 68824, G replaced by T.
Protein change: p.Glu22942Ter; replaces glutamic acid 22942 with a stop codon.
Molecular consequence: nonsense.
Genome position (GRCh38, 1-based): chr2:178,577,602, C>A on the plus strand (G>T on the coding strand, the complement: TTN is on the minus strand). VCF-style: chr2-178577602-C-A. GRCh37 (hg19) VCF-style: chr2-179442329-C-A.
Other names: c.63901G>T, p.Glu21301Ter (NM_001256850.1); c.41629G>T, p.Glu13877Ter (NM_003319.4); c.61120G>T, p.Glu20374Ter (NM_133378.4); c.42004G>T, p.Glu14002Ter (NM_133432.3); c.42205G>T, p.Glu14069Ter (NM_133437.4); short protein forms E13877*, E14002*, E14069*, E20374*, E21301*, E22942*.
Identifiers: ClinVar variation 5038430 (VCV005038430.1).